The following is an entry in ClinVar:

NM_001349253.2(SCN11A):c.3496-5A>G

Genes: SCN11A (sodium voltage-gated channel alpha subunit 11; minus strand), LOC126806652 (CDK7 strongly-dependent group 2 enhancer GRCh37_chr3:38912374-38913573; plus strand). Cytogenetic location: 3p22.2.
Variant type: single nucleotide variant.
Coding change: c.3496-5A>G on transcript NM_001349253.2 (MANE Select); 5 bases into the intron before coding-DNA position 3496, A replaced by G.
Molecular consequence: intron variant.
Genome position (GRCh38, 1-based): chr3:38,871,713, T>C on the plus strand (A>G on the coding strand, the complement: SCN11A is on the minus strand). VCF-style: chr3-38871713-T-C. GRCh37 (hg19) VCF-style: chr3-38913204-T-C.
Other names: c.3496-5A>G (NM_014139.3).
Identifiers: ClinVar variation 541567 (VCV000541567.8), dbSNP rs370779865, ClinGen allele CA2321757.

ClinVar aggregate classification (germline): Likely benign. Review status: criteria provided, multiple submitters, no conflicts (2 of 4 stars). 3 submissions from 3 submitters: Likely benign (3). Last evaluated 2026-01-04.

Conditions:
SCN11A-related disorder. Also called: SCN11A-related condition.
Inborn genetic diseases. Identifiers: MedGen C0950123, MeSH D030342.
Hereditary sensory and autonomic neuropathy type 7. Also called: Neuropathy, hereditary sensory and autonomic, type VII; HSAN VII. Identifiers: Orphanet 391397, MedGen C3809882, MONDO:0014244, OMIM 615548.
Familial episodic pain syndrome with predominantly lower limb involvement. Also called: Episodic pain syndrome, familial, 3. Identifiers: Orphanet 391384, Orphanet 391392, MedGen C3809899, MONDO:0014247, OMIM 615552.

Allele frequency attached by ClinVar (database versions not stated): gnomAD exomes 0.00001; ExAC 0.00003; gnomAD 0.00007 and 0.00009; TOPMed 0.00007; ESP Exome Variant Server 0.00008.
gnomAD v4.1: 24 of 1,579,226 alleles (0.0015%); highest among the groups gnomAD compares: African/African-American, 0.021%; no homozygotes.

Submissions (3):

PreventionGenetics, part of Exact Sciences
Classification: Likely benign for SCN11A-related condition. Last evaluated: 2026-01-04. Review status: criteria provided, single submitter. Criteria: ACMG Guidelines, 2015. Collection method: clinical testing. Allele origin: germline.
Comment: This variant is classified as likely benign based on ACMG/AMP sequence variant interpretation guidelines (Richards et al. 2015 PMID: 25741868, with internal and published modifications).

Labcorp Genetics (formerly Invitae), Labcorp
Classification: Likely benign for Familial episodic pain syndrome with predominantly lower limb involvement; Hereditary sensory and autonomic neuropathy type 7. Last evaluated: 2025-03-12. Review status: criteria provided, single submitter. Criteria: Invitae Variant Classification Sherloc (09022015). Collection method: clinical testing. Allele origin: germline.

Ambry Genetics
Classification: Likely benign for Inborn genetic diseases. Last evaluated: 2023-12-15. Review status: criteria provided, single submitter. Criteria: Ambry Variant Classification Scheme 2023. Collection method: clinical testing. Allele origin: germline.